The following is an entry in ClinVar:

NM_000138.5(FBN1):c.7542_7544dup (p.Gly2514_Phe2515insLeu)

Gene: FBN1 (fibrillin 1; minus strand). Cytogenetic location: 15q21.1.
Variant type: Duplication.
Coding change: c.7542_7544dup on transcript NM_000138.5 (MANE Select); coding-DNA positions 7542 to 7544, 3 bases duplicated (ATT; older notation c.7542_7544dupATT).
Protein change: p.Gly2514_Phe2515insLeu.
Molecular consequence: inframe insertion.
Genome position (GRCh38, 1-based): chr15:48,421,978-48,421,980, AAT duplicated on the plus strand (ATT on the coding strand, the reverse complement: FBN1 is on the minus strand). VCF-style (leftmost placement, unchanged base first): chr15-48421977-A-AAAT. GRCh37 (hg19) VCF-style: chr15-48714174-A-AAAT.
Other names: c.7542_7544dup, p.Gly2514_Phe2515insLeu (NM_001406716.1); c.7542_7544dupATT (NM_000138.4).
Identifiers: ClinVar variation 2503887 (VCV002503887.1), dbSNP rs2505399450, ClinGen allele CA2580613810.

ClinVar aggregate classification (germline): Uncertain significance (1 of 4 stars; one submission).

Submission:

Women's Health and Genetics/Laboratory Corporation of America, LabCorp
Classification: Uncertain significance. Last evaluated: 2023-04-18. Review status: criteria provided, single submitter. Criteria: LabCorp Variant Classification Summary - May 2015. Collection method: clinical testing. Allele origin: germline.
Comment: Variant summary: FBN1 c.7542_7544dupATT (p.Gly2514_Phe2515insLeu) results in an in-frame insertion that is predicted to insert one amino acid (Leu) into the EGF-like domain (IPR000742) of the encoded protein. The variant was absent in 251276 control chromosomes (gnomAD). The available data on variant occurrences in the general population are insufficient to allow any conclusion about variant significance. To our knowledge, no occurrence of c.7542_7544dupATT in individuals affected with Marfan Syndrome or other FBN1-related disorders and no experimental evidence demonstrating its impact on protein function have been reported. No clinical diagnostic laboratories have submitted clinical-significance assessments for this variant to ClinVar after 2014. Based on the evidence outlined above, the variant was classified as uncertain significance.